The following is an entry in ClinVar:

ClinVar aggregate classification (germline): Pathogenic (1 of 4 stars; one submission).

Conditions:
Myopathy, proximal, and ophthalmoplegia (CMYO6). Also called: MYOPATHY WITH CONGENITAL JOINT CONTRACTURES, OPHTHALMOPLEGIA, AND RIMMED VACUOLES; INCLUSION BODY MYOPATHY 3, AUTOSOMAL DOMINANT; CONGENITAL MYOPATHY 6 WITH OPHTHALMOPLEGIA. Identifiers: Orphanet 363677, Orphanet 79091, MedGen C1854106, MONDO:0011577, OMIM 605637.

Allele frequency attached by ClinVar (database versions not stated): gnomAD 0.00002.
gnomAD v4.1: 4 of 1,614,052 alleles (0.00025%); highest among the groups gnomAD compares: African/African-American, 0.0027%; no homozygotes.

Submission:

Labcorp Genetics (formerly Invitae), Labcorp
Classification: Pathogenic for Myopathy, proximal, and ophthalmoplegia. Last evaluated: 2025-03-05. Review status: criteria provided, single submitter. Criteria: Invitae Variant Classification Sherloc (09022015). Collection method: clinical testing. Allele origin: germline.
Comment: This sequence change creates a premature translational stop signal (p.Glu209*) in the MYH2 gene. It is expected to result in an absent or disrupted protein product. Loss-of-function variants in MYH2 are known to be pathogenic (PMID: 20418530, 23388406, 24193343). This variant is not present in population databases (gnomAD no frequency). This variant has not been reported in the literature in individuals affected with MYH2-related conditions. ClinVar contains an entry for this variant (Variation ID: 1453317). For these reasons, this variant has been classified as Pathogenic.

Literature cited by the submitters: PubMed 20418530; PubMed 23388406; PubMed 24193343.

NM_017534.6(MYH2):c.625G>T (p.Glu209Ter)

Genes: MYHAS (myosin heavy chain gene cluster antisense RNA; plus strand), MYH2 (myosin heavy chain 2; minus strand), LOC126862501 (CDK7 strongly-dependent group 2 enhancer GRCh37_chr17:10446256-10447455; plus strand). Cytogenetic location: 17p13.1.
Variant type: single nucleotide variant.
Coding change: c.625G>T on transcript NM_017534.6 (MANE Select); coding-DNA position 625, G replaced by T.
Protein change: p.Glu209Ter; replaces glutamic acid 209 with a stop codon.
Molecular consequence: nonsense.
Genome position (GRCh38, 1-based): chr17:10,543,925, C>A on the plus strand (G>T on the coding strand, the complement: MYH2 is on the minus strand). VCF-style: chr17-10543925-C-A. GRCh37 (hg19) VCF-style: chr17-10447242-C-A.
Other names: c.625G>T, p.Glu209Ter (NM_001100112.2); short protein forms E209*.
Identifiers: ClinVar variation 1453317 (VCV001453317.6), dbSNP rs1250462450, ClinGen allele CA398169268.
Genomic context (GRCh38, chr17:10,543,925, plus strand): 5'-ACAGAGTCTGGATTCTGACTGTGACAATCAGACTCACCTGTATTTTGCCAGAAGTAATTT[C>A]TTCCTTCTTCTTCTCACCAGTAACTGCAATTGTTGCAAAGTACTGGATGACACGCTTGGT-3'